The following is an entry in ClinVar:

ClinVar aggregate classification (germline): Pathogenic/Likely pathogenic. Review status: criteria provided, multiple submitters, no conflicts (2 of 4 stars). 2 submissions from 2 submitters: Pathogenic (1); Likely pathogenic (1). Last evaluated 2023-12-21.

Conditions:
Beta-D-mannosidosis (MANSB). Also called: MANNOSIDOSIS, BETA A, LYSOSOMAL; BETA-MANNOSIDASE DEFICIENCY; LYSOSOMAL BETA-MANNOSIDASE DEFICIENCY; Beta-Mannosidosis. Identifiers: Orphanet 118, MedGen C4048196, MONDO:0009562, OMIM 248510.
MANBA-related disorder. Also called: MANBA-related condition.

Allele frequency attached by ClinVar (database versions not stated): gnomAD exomes 0.00003; TOPMed below 0.00001.

Submissions (2):

Labcorp Genetics (formerly Invitae), Labcorp
Classification: Pathogenic for Beta-D-mannosidosis. Last evaluated: 2023-12-21. Review status: criteria provided, single submitter. Criteria: Invitae Variant Classification Sherloc (09022015). Collection method: clinical testing. Allele origin: germline.
Comment: This sequence change creates a premature translational stop signal (p.Trp541*) in the MANBA gene. It is expected to result in an absent or disrupted protein product. Loss-of-function variants in MANBA are known to be pathogenic (PMID: 9384606, 12468273). This variant is present in population databases (no rsID available, gnomAD 0.0009%). This variant has not been reported in the literature in individuals affected with MANBA-related conditions. ClinVar contains an entry for this variant (Variation ID: 2636760). For these reasons, this variant has been classified as Pathogenic.

PreventionGenetics, part of Exact Sciences
Classification: Likely pathogenic for MANBA-related condition. Last evaluated: 2022-09-15. Review status: criteria provided, single submitter. Criteria: ACMG Guidelines, 2015. Collection method: clinical testing. Allele origin: germline.
Comment: The MANBA c.1623G>A variant is predicted to result in premature protein termination (p.Trp541*). To our knowledge, this variant has not been reported in the literature. This variant is reported in 0.00088% of alleles in individuals of European (Non-Finnish) descent in gnomAD. Nonsense variants in MANBA are expected to be pathogenic. This variant is interpreted as likely pathogenic.

Literature cited by the submitters: PubMed 9384606 (cited by Labcorp Genetics (formerly Invitae), Labcorp); PubMed 12468273 (cited by Labcorp Genetics (formerly Invitae), Labcorp).

NM_005908.4(MANBA):c.1623G>A (p.Trp541Ter)

Gene: MANBA (mannosidase beta; minus strand). Cytogenetic location: 4q24.
Variant type: single nucleotide variant.
Coding change: c.1623G>A on transcript NM_005908.4 (MANE Select); coding-DNA position 1623, G replaced by A.
Protein change: p.Trp541Ter; replaces tryptophan 541 with a stop codon.
Molecular consequence: nonsense.
Genome position (GRCh38, 1-based): chr4:102,657,763, C>T on the plus strand (G>A on the coding strand, the complement: MANBA is on the minus strand). VCF-style: chr4-102657763-C-T. GRCh37 (hg19) VCF-style: chr4-103578920-C-T.
Other names: short protein forms W541*.
Identifiers: ClinVar variation 2636760 (VCV002636760.4), dbSNP rs1266964950, ClinGen allele CA357758606.